The following is an entry in ClinVar:

ClinVar aggregate classification (germline): Pathogenic/Likely pathogenic. Review status: criteria provided, multiple submitters, no conflicts (2 of 4 stars). 3 submissions from 3 submitters: Pathogenic (1); Likely pathogenic (1). 1 of the submissions does not count toward it. Last evaluated 2024-03-12.

Conditions:
FGFR2-related disorder. Identifiers: MedGen CN380096.
Pfeiffer syndrome (ACS5). Also called: ACS V. Identifiers: Orphanet 710, MedGen C0220658, MONDO:0007043, OMIM 101600.
FGFR2-related craniosynostosis. Identifiers: MedGen CN231480.

Allele frequency attached by ClinVar (database versions not stated): gnomAD 0.00001.
gnomAD v4.1: 1 of 1,614,074 alleles (0.000062%); highest among the groups gnomAD compares: East Asian, 0.0022%; no homozygotes.

Submissions (3):

Labcorp Genetics (formerly Invitae), Labcorp
Classification: Pathogenic for FGFR2-related craniosynostosis. Last evaluated: 2024-03-12. Review status: criteria provided, single submitter. Criteria: Invitae Variant Classification Sherloc (09022015). Collection method: clinical testing. Allele origin: germline.
Comment: This sequence change affects an acceptor splice site in intron 7 of the FGFR2 gene. It is expected to disrupt RNA splicing. Variants that disrupt the donor or acceptor splice site typically lead to a loss of protein function (PMID: 16199547), however the current clinical and genetic evidence is not sufficient to establish whether loss-of-function variants in FGFR2 cause disease. This variant is not present in population databases (gnomAD no frequency). Disruption of this splice site has been observed in individuals with Pfeiffer syndrome (PMID: 10394936, 11807866, 12884424, 26289989, 27481450). This variant is also known as c.952-1G>A. ClinVar contains an entry for this variant (Variation ID: 13291). Algorithms developed to predict the effect of sequence changes on RNA splicing suggest that this variant may disrupt the consensus splice site. For these reasons, this variant has been classified as Pathogenic.

Blueprint Genetics
Classification: Likely pathogenic for FGFR2-related disorders. Last evaluated: 2021-04-19. Review status: criteria provided, single submitter. Criteria: ACMG Guidelines, 2015. Collection method: clinical testing. Allele origin: germline. Affected: yes. Observed: 1 variant allele.

OMIM
Classification: Pathogenic for PFEIFFER SYNDROME. Last evaluated: 2002-01-01. Review status: no assertion criteria provided. Collection method: literature only. Allele origin: germline. Not counted in ClinVar's aggregate classification.

Literature cited by the submitters: PubMed 16199547 (cited by Labcorp Genetics (formerly Invitae), Labcorp); PubMed 10394936 (cited by Labcorp Genetics (formerly Invitae), Labcorp); PubMed 11807866 (cited by Labcorp Genetics (formerly Invitae), Labcorp and OMIM); PubMed 12884424 (cited by Labcorp Genetics (formerly Invitae), Labcorp); PubMed 26289989 (cited by Labcorp Genetics (formerly Invitae), Labcorp); PubMed 27481450 (cited by Labcorp Genetics (formerly Invitae), Labcorp).

NM_000141.5(FGFR2):c.940-1G>A

Gene: FGFR2 (fibroblast growth factor receptor 2; minus strand). Cytogenetic location: 10q26.13.
Variant type: single nucleotide variant.
Coding change: c.940-1G>A on transcript NM_000141.5 (MANE Select); the canonical splice acceptor site of the intron before coding-DNA position 940, G replaced by A.
Molecular consequence: splice acceptor variant. On other transcripts: intron variant (7).
Genome position (GRCh38, 1-based): chr10:121,517,464, C>T on the plus strand (G>A on the coding strand, the complement: FGFR2 is on the minus strand). VCF-style: chr10-121517464-C-T. GRCh37 (hg19) VCF-style: chr10-123276978-C-T.
Other names: IVSAS, G-A, -1; c.749-2145G>A (NM_001144914.1); c.595-1G>A (NM_001144918.2, NM_001441091.1, NM_001441090.1 and 1 more transcripts); c.673-1G>A (NM_001441089.1, NM_023029.3, NM_001144915.2); c.820+1218G>A (NM_001441088.1, NM_001144919.2); c.939+2515G>A (NM_001144917.2); c.940-1G>A (NM_001320658.2); c.1087+1218G>A (NM_001441087.1, NM_022970.4, NM_001144913.1); and 1 more.
Identifiers: ClinVar variation 13291 (VCV000013291.11), dbSNP rs879253719, ClinGen allele CA10575517.